The following is an entry in ClinVar:

ClinVar aggregate classification (germline): Uncertain significance. Review status: criteria provided, multiple submitters, no conflicts (2 of 4 stars). 5 submissions from 5 submitters: Uncertain significance (5). Last evaluated 2024-05-23.

Conditions:
Neuromuscular disease caused by qualitative or quantitative defects of dysferlin. Also called: Qualitative or quantitative defects of dysferlin; Dysferlinopathy. Identifiers: Orphanet 207073, MedGen C2931687, MONDO:0016145.
Distal myopathy with anterior tibial onset. Identifiers: Orphanet 178400, MedGen C1847532, MONDO:0011721, OMIM 606768.
Autosomal recessive limb-girdle muscular dystrophy type 2B (LGMDR2). Also called: MUSCULAR DYSTROPHY, LIMB-GIRDLE, TYPE 3; MUSCULAR DYSTROPHY, LIMB-GIRDLE, AUTOSOMAL RECESSIVE 2; Limb-Girdle Muscular Dystrophy Type 2B (LGMD2B); Limb-girdle muscular dystrophy, type 2B. Identifiers: Orphanet 268, MedGen C1850889, MONDO:0009676, OMIM 253601.
Miyoshi muscular dystrophy 1 (MMD1). Identifiers: Orphanet 45448, MedGen C4551973, MONDO:0024545, OMIM 254130.

Allele frequency attached by ClinVar (database versions not stated): gnomAD exomes 0.00001 and 0.00003; ExAC 0.00003; gnomAD 0.00005 and 0.00006; TOPMed 0.00006; 1000 Genomes Project 30x 0.00016; 1000 Genomes Project 0.00020.
gnomAD v4.1: 29 of 1,613,988 alleles (0.0018%); highest among the groups gnomAD compares: African/African-American, 0.011%; no homozygotes.

Submissions (5):

Blueprint Genetics
Classification: Uncertain significance. Last evaluated: 2024-05-23. Review status: criteria provided, single submitter. Criteria: ACMG Guidelines, 2015. Collection method: clinical testing. Allele origin: germline.

Labcorp Genetics (formerly Invitae), Labcorp
Classification: Uncertain significance for Neuromuscular disease caused by qualitative or quantitative defects of dysferlin. Last evaluated: 2021-12-23. Review status: criteria provided, single submitter. Criteria: Invitae Variant Classification Sherloc (09022015). Collection method: clinical testing. Allele origin: germline.
Comment: This sequence change replaces arginine, which is basic and polar, with cysteine, which is neutral and slightly polar, at codon 1044 of the DYSF protein (p.Arg1044Cys). This variant is present in population databases (rs539727858, gnomAD 0.02%). This variant has not been reported in the literature in individuals affected with DYSF-related conditions. ClinVar contains an entry for this variant (Variation ID: 286603). Advanced modeling of protein sequence and biophysical properties (such as structural, functional, and spatial information, amino acid conservation, physicochemical variation, residue mobility, and thermodynamic stability) performed at Invitae indicates that this missense variant is expected to disrupt DYSF protein function. In summary, the available evidence is currently insufficient to determine the role of this variant in disease. Therefore, it has been classified as a Variant of Uncertain Significance.

Fulgent Genetics
Classification: Uncertain significance for Autosomal recessive limb-girdle muscular dystrophy type 2B; Miyoshi muscular dystrophy 1; Distal myopathy with anterior tibial onset. Last evaluated: 2021-08-02. Review status: criteria provided, single submitter. Criteria: ACMG Guidelines, 2015. Collection method: clinical testing. Allele origin: unknown.

Revvity Omics, Revvity
Classification: Uncertain significance. Last evaluated: 2020-08-27. Review status: criteria provided, single submitter. Criteria: ACMG Guidelines, 2015. Collection method: clinical testing. Allele origin: germline.

Eurofins Ntd Llc (ga)
Classification: Uncertain significance. Last evaluated: 2016-03-07. Review status: criteria provided, single submitter. Criteria: EGL Classification Definitions 2015. Collection method: clinical testing. Allele origin: germline. Observed: 1 variant allele, 1 heterozygote.

NM_001130987.2(DYSF):c.3184C>T (p.Arg1062Cys)

Gene: DYSF (dysferlin; plus strand). Cytogenetic location: 2p13.2.
Variant type: single nucleotide variant.
Coding change: c.3184C>T on transcript NM_001130987.2 (MANE Select); coding-DNA position 3184, C replaced by T.
Protein change: p.Arg1062Cys; replaces arginine 1062 with cysteine.
Molecular consequence: missense variant.
Genome position (GRCh38, 1-based): chr2:71,570,697, C>T. VCF-style: chr2-71570697-C-T. GRCh37 (hg19) VCF-style: chr2-71797827-C-T.
Other names: c.3133C>T, p.Arg1045Cys (NM_001130455.2, NM_001130983.2); c.3088C>T, p.Arg1030Cys (NM_001130976.2, NM_001130977.2); c.3130C>T, p.Arg1044Cys (NM_001130978.2, NM_003494.4); c.3223C>T, p.Arg1075Cys (NM_001130979.2); c.3181C>T, p.Arg1061Cys (NM_001130980.2, NM_001130981.2); c.3226C>T, p.Arg1076Cys (NM_001130982.2); c.3091C>T, p.Arg1031Cys (NM_001130984.2, NM_001130986.2); c.3184C>T, p.Arg1062Cys (NM_001130985.2); short protein forms R1062C, R1044C, R1031C, R1061C, R1076C, R1030C, R1045C, R1075C.
Identifiers: ClinVar variation 286603 (VCV000286603.11), dbSNP rs539727858, ClinGen allele CA1706457.